The following is an entry in ClinVar:

ClinVar aggregate classification (germline): Uncertain significance (1 of 4 stars; one submission).

Conditions:
3-Methylglutaconic aciduria type 2 (BTHS). Also called: Barth syndrome; CARDIOSKELETAL MYOPATHY WITH NEUTROPENIA AND ABNORMAL MITOCHONDRIA. Identifiers: Orphanet 111, MedGen C0574083, MONDO:0010543, OMIM 302060.

Allele frequency attached by ClinVar (database versions not stated): gnomAD 0.00001.
gnomAD v4.1: 1 of 1,205,133 alleles (0.000083%); highest among the groups gnomAD compares: Non-Finnish European, 0.00011%; no homozygotes.

Submission:

Labcorp Genetics (formerly Invitae), Labcorp
Classification: Uncertain significance for 3-Methylglutaconic aciduria type 2. Last evaluated: 2026-01-05. Review status: criteria provided, single submitter. Criteria: Invitae Variant Classification Sherloc (09022015). Collection method: clinical testing. Allele origin: germline.
Comment: This sequence change replaces isoleucine, which is neutral and non-polar, with methionine, which is neutral and non-polar, at codon 54 of the TAZ protein (p.Ile54Met). This variant is present in population databases (no rsID available, gnomAD 0.01%). This variant has not been reported in the literature in individuals affected with TAZ-related conditions. ClinVar contains an entry for this variant (Variation ID: 2969551). An algorithm developed to predict the effect of missense changes on protein structure and function (PolyPhen-2) suggests that this variant is likely to be disruptive. In summary, the available evidence is currently insufficient to determine the role of this variant in disease. Therefore, it has been classified as a Variant of Uncertain Significance.

NM_000116.5(TAFAZZIN):c.162C>G (p.Ile54Met)

Gene: TAFAZZIN (tafazzin, phospholipid-lysophospholipid transacylase; plus strand). Cytogenetic location: Xq28.
Variant type: single nucleotide variant.
Coding change: c.162C>G on transcript NM_000116.5 (MANE Select); coding-DNA position 162, C replaced by G.
Protein change: p.Ile54Met; replaces isoleucine 54 with methionine.
Molecular consequence: missense variant. On other transcripts: non-coding transcript variant (1).
Genome position (GRCh38, 1-based): chrX:154,412,138, C>G. VCF-style: chrX-154412138-C-G. GRCh37 (hg19) VCF-style: chrX-153640475-C-G.
Other names: c.216C>G, p.Ile72Met (NM_001303465.2, NM_001410698.1); c.162C>G, p.Ile54Met (NM_181311.4, NM_181312.4, NM_181313.4); short protein forms I54M, I72M.
Identifiers: ClinVar variation 2969551 (VCV002969551.3), dbSNP rs1557191093, ClinGen allele CA415179691.